The following is an entry in ClinVar:

NM_001999.4(FBN2):c.6982G>T (p.Ala2328Ser)

Gene: FBN2 (fibrillin 2; minus strand). Cytogenetic location: 5q23.3.
Variant type: single nucleotide variant.
Coding change: c.6982G>T on transcript NM_001999.4 (MANE Select); coding-DNA position 6982, G replaced by T.
Protein change: p.Ala2328Ser; replaces alanine 2328 with serine.
Molecular consequence: missense variant.
Genome position (GRCh38, 1-based): chr5:128,286,748, C>A on the plus strand (G>T on the coding strand, the complement: FBN2 is on the minus strand). VCF-style: chr5-128286748-C-A. GRCh37 (hg19) VCF-style: chr5-127622440-C-A.
Other names: p.Ala2328Ser; short protein forms A2328S.
Identifiers: ClinVar variation 289728 (VCV000289728.66), dbSNP rs199910288, ClinGen allele CA3394257.

ClinVar aggregate classification (germline): Conflicting classifications of pathogenicity. Review status: criteria provided, conflicting classifications (1 of 4 stars). 11 submissions from 11 submitters: Uncertain significance (3); Benign (1); Likely benign (5). 2 of the submissions do not count toward it. Last evaluated 2025-09-08.

Conditions:
Connective tissue disorder. Also called: Connective tissue disease. Identifiers: MedGen C0009782, MONDO:0003900.
Macular degeneration, early-onset (EOMD). Identifiers: MedGen C4015286, MONDO:0014501, OMIM 616118.
Congenital contractural arachnodactyly (CCA). Also called: BEALS SYNDROME; Beals-Hecht syndrome; Arthrogryposis, distal, type 9. Identifiers: Orphanet 115, MedGen C0220668, MONDO:0007363, OMIM 121050.
Familial thoracic aortic aneurysm and aortic dissection (TAAD). Also called: Thoracic aortic aneurysms and dissections. Identifiers: Orphanet 91387, MedGen C4707243, MONDO:0019625.

Allele frequency attached by ClinVar (database versions not stated): TOPMed 0.00002; gnomAD exomes 0.00004 and 0.00006; ExAC 0.00007; ESP Exome Variant Server 0.00008.
gnomAD v4.1: 67 of 1,614,052 alleles (0.0042%); highest among the groups gnomAD compares: Middle Eastern, 0.016%; no homozygotes.

Submissions (11):

GeneDx
Classification: Uncertain significance. Last evaluated: 2025-09-08. Review status: criteria provided, single submitter. Criteria: GeneDx Variant Classification Process June 2021. Collection method: clinical testing. Allele origin: germline. Affected: yes.
Comment: Has not been previously published as pathogenic or benign to our knowledge; In silico analysis suggests that this missense variant does not alter protein structure/function; Although located in a calcium-binding EGF-like domain of the FBN2 gene, it does not substitute or introduce a cysteine residue (PMID: 19006240, 18767143); This variant is associated with the following publications: (PMID: 19006240, 18767143)

Mayo Clinic Laboratories, Mayo Clinic
Classification: Likely benign. Last evaluated: 2025-07-22. Review status: criteria provided, single submitter. Criteria: ACMG Guidelines, 2015. Collection method: clinical testing. Allele origin: germline. Observed: 1 variant allele.
Comment: BS1, BP4_moderate

Labcorp Genetics (formerly Invitae), Labcorp
Classification: Benign for Congenital contractural arachnodactyly. Last evaluated: 2025-07-20. Review status: criteria provided, single submitter. Criteria: Invitae Variant Classification Sherloc (09022015). Collection method: clinical testing. Allele origin: germline.

Ambry Genetics
Classification: Likely benign for Familial thoracic aortic aneurysm and aortic dissection. Last evaluated: 2025-07-14. Review status: criteria provided, single submitter. Criteria: Ambry Variant Classification Scheme 2023. Collection method: clinical testing. Allele origin: germline.

Blueprint Genetics
Classification: Likely benign. Last evaluated: 2023-08-04. Review status: criteria provided, single submitter. Criteria: ACMG Guidelines, 2015. Collection method: clinical testing. Allele origin: germline.

CeGaT Center for Human Genetics Tuebingen
Classification: Likely benign. Last evaluated: 2022-08-01. Review status: criteria provided, single submitter. Criteria: CeGaT Center For Human Genetics Tuebingen Variant Classification Criteria Version 2. Collection method: clinical testing. Allele origin: germline. Affected: yes. Observed: 3 variant alleles.
Comment: FBN2: BP4

Centre for Mendelian Genomics, University Medical Centre Ljubljana
Classification: Uncertain significance for Macular degeneration, early-onset. Last evaluated: 2019-02-28. Review status: criteria provided, single submitter. Criteria: ACMG Guidelines, 2015. Collection method: clinical testing. Allele origin: unknown. Affected: yes.
Comment: This variant was classified as: Uncertain significance. The available evidence on this variant's pathogenicity is insufficient or conflicting. The following ACMG criteria were applied in classifying this variant: BP4.

Center for Human Genetics, Inc
Classification: Likely benign for Connective tissue disorder. Last evaluated: 2016-11-01. Review status: criteria provided, single submitter. Criteria: ACMG Guidelines, 2015. Collection method: clinical testing. Allele origin: germline. Affected: yes.

Eurofins Ntd Llc (ga)
Classification: Uncertain significance. Last evaluated: 2016-08-10. Review status: criteria provided, single submitter. Criteria: EGL Classification Definitions 2015. Collection method: clinical testing. Allele origin: germline. Observed: 1 variant allele, 1 heterozygote.

Joint Genome Diagnostic Labs from Nijmegen and Maastricht, Radboudumc and MUMC+
Classification: Likely benign. Review status: no assertion criteria provided. Collection method: clinical testing. Allele origin: germline. Affected: yes. Study: VKGL Data-share Consensus. Not counted in ClinVar's aggregate classification.

Laboratory of Diagnostic Genome Analysis, Leiden University Medical Center (LUMC)
Classification: Likely benign. Review status: no assertion criteria provided. Collection method: clinical testing. Allele origin: germline. Affected: yes. Study: VKGL Data-share Consensus. Not counted in ClinVar's aggregate classification.